The following is an entry in ClinVar:

ClinVar aggregate classification (germline): Likely benign. Review status: criteria provided, multiple submitters, no conflicts (2 of 4 stars). 3 submissions from 3 submitters: Likely benign (3). Last evaluated 2025-07-01.

Conditions:
PKD1L1-related disorder. Also called: PKD1L1-related condition.

Allele frequency attached by ClinVar (database versions not stated): gnomAD 0.00009; TOPMed 0.00012.
gnomAD v4.1: 143 of 1,614,100 alleles (0.0089%); highest among the groups gnomAD compares: South Asian, 0.048%; 1 homozygote.

Submissions (3):

CeGaT Center for Human Genetics Tuebingen
Classification: Likely benign. Last evaluated: 2025-07-01. Review status: criteria provided, single submitter. Criteria: CeGaT Center For Human Genetics Tuebingen Variant Classification Criteria Version 2. Collection method: clinical testing. Allele origin: germline. Affected: yes. Observed: 2 variant alleles.
Comment: PKD1L1: BP4, BP7

Labcorp Genetics (formerly Invitae), Labcorp
Classification: Likely benign. Last evaluated: 2025-03-18. Review status: criteria provided, single submitter. Criteria: Invitae Variant Classification Sherloc (09022015). Collection method: clinical testing. Allele origin: germline.

PreventionGenetics, part of Exact Sciences
Classification: Likely benign for PKD1L1-related condition. Last evaluated: 2025-01-30. Review status: criteria provided, single submitter. Criteria: ACMG Guidelines, 2015. Collection method: clinical testing. Allele origin: germline.
Comment: This variant is classified as likely benign based on ACMG/AMP sequence variant interpretation guidelines (Richards et al. 2015 PMID: 25741868, with internal and published modifications).

NM_138295.5(PKD1L1):c.1311T>C (p.Ile437=)

Gene: PKD1L1 (polycystin 1 like 1, transient receptor potential channel interacting; minus strand). Cytogenetic location: 7p12.3.
Variant type: single nucleotide variant.
Coding change: c.1311T>C on transcript NM_138295.5 (MANE Select); coding-DNA position 1311, T replaced by C.
Protein change: p.Ile437=; no amino-acid change (isoleucine 437 retained).
Molecular consequence: synonymous variant.
Genome position (GRCh38, 1-based): chr7:47,908,168, A>G on the plus strand (T>C on the coding strand, the complement: PKD1L1 is on the minus strand). VCF-style: chr7-47908168-A-G. GRCh37 (hg19) VCF-style: chr7-47947765-A-G.
Other names: c.1311T>C (NM_138295.3).
Identifiers: ClinVar variation 2657463 (VCV002657463.28), dbSNP rs781709767, ClinGen allele CA4254094.